The following is an entry in ClinVar:

NM_032043.3(BRIP1):c.791G>A (p.Arg264Gln)

Gene: BRIP1 (BRCA1 interacting DNA helicase 1; minus strand). Cytogenetic location: 17q23.2.
Variant type: single nucleotide variant.
Coding change: c.791G>A on transcript NM_032043.3 (MANE Select); coding-DNA position 791, G replaced by A.
Protein change: p.Arg264Gln; replaces arginine 264 with glutamine.
Molecular consequence: missense variant.
Genome position (GRCh38, 1-based): chr17:61,808,594, C>T on the plus strand (G>A on the coding strand, the complement: BRIP1 is on the minus strand). VCF-style: chr17-61808594-C-T. GRCh37 (hg19) VCF-style: chr17-59885955-C-T.
Other names: short protein forms R264Q.
Identifiers: ClinVar variation 461184 (VCV000461184.25), dbSNP rs758360637, ClinGen allele CA8690847.

ClinVar aggregate classification (germline): Conflicting classifications of pathogenicity. Review status: criteria provided, conflicting classifications (1 of 4 stars). 8 submissions from 8 submitters: Uncertain significance (7); Likely benign (1). Last evaluated 2025-12-30.

Conditions:
Hereditary cancer-predisposing syndrome. Also called: Neoplastic Syndromes, Hereditary; Tumor predisposition; Hereditary neoplastic syndrome; Hereditary Cancer Syndrome. Identifiers: Orphanet 140162, MedGen C0027672, MeSH D009386, MONDO:0015356.
Fanconi anemia complementation group J. Also called: BRIP1-Related Fanconi Anemia. Identifiers: Orphanet 84, MedGen C1836860, MONDO:0012187, OMIM 609054.
Familial cancer of breast. Also called: Hereditary breast cancer; BREAST CANCER, FAMILIAL; hereditary breast carcinoma. Identifiers: Orphanet 227535, MedGen C0346153, MONDO:0016419, OMIM 114480. Disease mechanism: loss of function.

Allele frequency attached by ClinVar (database versions not stated): gnomAD exomes 0.00001 and 0.00002; ExAC 0.00002; gnomAD 0.00002; TOPMed 0.00002.
gnomAD v4.1: 18 of 1,613,808 alleles (0.0011%); highest among the groups gnomAD compares: African/African-American, 0.0053%; no homozygotes.

Submissions (8):

Labcorp Genetics (formerly Invitae), Labcorp
Classification: Uncertain significance for Familial cancer of breast; Fanconi anemia complementation group J. Last evaluated: 2025-12-30. Review status: criteria provided, single submitter. Criteria: Invitae Variant Classification Sherloc (09022015). Collection method: clinical testing. Allele origin: germline.
Comment: This sequence change replaces arginine, which is basic and polar, with glutamine, which is neutral and polar, at codon 264 of the BRIP1 protein (p.Arg264Gln). This variant is present in population databases (rs758360637, gnomAD 0.008%). This variant has not been reported in the literature in individuals affected with BRIP1-related conditions. ClinVar contains an entry for this variant (Variation ID: 461184). An algorithm developed to predict the effect of missense changes on protein structure and function outputs the following: PolyPhen-2: "Benign". The glutamine amino acid residue is found in multiple mammalian species, which suggests that this missense change does not adversely affect protein function. In summary, the available evidence is currently insufficient to determine the role of this variant in disease. Therefore, it has been classified as a Variant of Uncertain Significance.

Quest Diagnostics Nichols Institute San Juan Capistrano
Classification: Uncertain significance. Last evaluated: 2025-01-13. Review status: criteria provided, single submitter. Criteria: Quest Diagnostics criteria. Collection method: clinical testing. Allele origin: unknown.
Comment: The BRIP1 c.791G>A (p.Arg264Gln) variant has been reported in the published literature in individuals affected with breast cancer (PMID: 25186627 (2015), 33471991 (2021), see also LOVD) as well as reportedly healthy individuals (PMID: 33471991 (2021), see also LOVD, 36243179 (2022)). The frequency of this variant in the general population (Genome Aggregation Database) is uninformative in the assessment of its pathogenicity. Analysis of this variant using bioinformatics tools for the prediction of the effect of amino acid changes on protein structure and function yielded predictions that this variant is benign. Based on the available information, we are unable to determine the clinical significance of this variant.

Ambry Genetics
Classification: Likely benign for Hereditary cancer-predisposing syndrome. Last evaluated: 2024-06-07. Review status: criteria provided, single submitter. Criteria: Ambry Variant Classification Scheme 2023. Collection method: clinical testing. Allele origin: germline.

GeneDx
Classification: Uncertain significance. Last evaluated: 2023-10-03. Review status: criteria provided, single submitter. Criteria: GeneDx Variant Classification Process June 2021. Collection method: clinical testing. Allele origin: germline. Affected: yes.
Comment: Not observed at significant frequency in large population cohorts (gnomAD); In silico analysis supports that this missense variant does not alter protein structure/function; Observed in an individual with breast cancer (PMID: 25186627); This variant is associated with the following publications: (PMID: 25186627)

Baylor Genetics
Classification: Uncertain significance for Familial cancer of breast. Last evaluated: 2023-09-27. Review status: criteria provided, single submitter. Criteria: ACMG Guidelines, 2015. Collection method: clinical testing. Allele origin: unknown.

Blueprint Genetics
Classification: Uncertain significance. Last evaluated: 2022-02-17. Review status: criteria provided, single submitter. Criteria: ACMG Guidelines, 2015. Collection method: clinical testing. Allele origin: germline.

Color Diagnostics, LLC DBA Color Health
Classification: Uncertain significance for Hereditary cancer-predisposing syndrome. Last evaluated: 2021-07-28. Review status: criteria provided, single submitter. Criteria: ACMG Guidelines, 2015. Collection method: clinical testing. Allele origin: germline.
Comment: This missense variant replaces arginine with glutamine at codon 264 of the BRIP1 protein. Computational prediction suggests that this variant may not impact protein structure and function (internally defined REVEL score threshold <= 0.5, PMID: 27666373). To our knowledge, functional studies have not been reported for this variant. This variant has not been reported in individuals affected with hereditary cancer in the literature. This variant has been identified in 5/282448 chromosomes in the general population by the Genome Aggregation Database (gnomAD). The available evidence is insufficient to determine the role of this variant in disease conclusively. Therefore, this variant is classified as a Variant of Uncertain Significance.

Women's Health and Genetics/Laboratory Corporation of America, LabCorp
Classification: Uncertain significance. Last evaluated: 2019-11-05. Review status: criteria provided, single submitter. Criteria: LabCorp Variant Classification Summary - May 2015. Collection method: clinical testing. Allele origin: germline.
Comment: Variant summary: BRIP1 c.791G>A (p.Arg264Gln) results in a conservative amino acid change located in the Helicase-like, DEXD box c2 type domain (IPR006554) of the encoded protein sequence. Five of five in-silico tools predict a benign effect of the variant on protein function. The variant allele was found at a frequency of 1.6e-05 in 251072 control chromosomes (gnomAD). The available data on variant occurrences in the general population are insufficient to allow any conclusion about variant significance. c.791G>A has been reported in the literature in an individual affected with Breast Cancer (Tung_2015). However, this report does not provide unequivocal conclusions about association of the variant with Breast Cancer. To our knowledge, no experimental evidence demonstrating an impact on protein function has been reported. Three ClinVar submitters (evaluation after 2014) cite the variant as uncertain significance. Based on the evidence outlined above, the variant was classified as uncertain significance.

Literature cited by the submitters: PubMed 25186627 (cited by Quest Diagnostics Nichols Institute San Juan Capistrano and Women's Health and Genetics/Laboratory Corporation of America, LabCorp); PubMed 33471991 (cited by Quest Diagnostics Nichols Institute San Juan Capistrano); PubMed 36243179 (cited by Quest Diagnostics Nichols Institute San Juan Capistrano).